The following is an entry in ClinVar:

ClinVar aggregate classification (germline): Pathogenic (1 of 4 stars; one submission).

Conditions:
Hyperphosphatasia with impaired intellectual development syndrome 2. Also called: Hyperphosphatasia with intellectual disability syndrome 2; GLYCOSYLPHOSPHATIDYLINOSITOL BIOSYNTHESIS DEFECT 6. Identifiers: Orphanet 247262, MedGen C3553637, MONDO:0013882, OMIM 614749.

Allele frequency attached by ClinVar (database versions not stated): TOPMed below 0.00001.

Submission:

Labcorp Genetics (formerly Invitae), Labcorp
Classification: Pathogenic for Hyperphosphatasia with impaired intellectual development syndrome 2. Last evaluated: 2020-11-24. Review status: criteria provided, single submitter. Criteria: Invitae Variant Classification Sherloc (09022015). Collection method: clinical testing. Allele origin: germline.
Comment: For these reasons, this variant has been classified as Pathogenic. This variant has not been reported in the literature in individuals with PIGO-related conditions. ClinVar contains an entry for this variant (Variation ID: 565791). This variant is not present in population databases (ExAC no frequency). This sequence change creates a premature translational stop signal (p.Trp653*) in the PIGO gene. It is expected to result in an absent or disrupted protein product. Loss-of-function variants in PIGO are known to be pathogenic (PMID: 22683086, 24417746).

Literature cited by the submitters: PubMed 22683086; PubMed 24417746.

NM_032634.4(PIGO):c.1959G>A (p.Trp653Ter)

Gene: PIGO (phosphatidylinositol glycan anchor biosynthesis class O; minus strand). Cytogenetic location: 9p13.3.
Variant type: single nucleotide variant.
Coding change: c.1959G>A on transcript NM_032634.4 (MANE Select); coding-DNA position 1959, G replaced by A.
Protein change: p.Trp653Ter; replaces tryptophan 653 with a stop codon.
Molecular consequence: nonsense. On other transcripts: intron variant (2).
Genome position (GRCh38, 1-based): chr9:35,091,928, C>T on the plus strand (G>A on the coding strand, the complement: PIGO is on the minus strand). VCF-style: chr9-35091928-C-T. GRCh37 (hg19) VCF-style: chr9-35091925-C-T.
Other names: c.1344+615G>A (NM_152850.4, NM_001201484.2); short protein forms W653*.
Identifiers: ClinVar variation 565791 (VCV000565791.6), dbSNP rs1391418639, ClinGen allele CA373321068.